The following is an entry in ClinVar:

ClinVar aggregate classification (germline): Uncertain significance (1 of 4 stars; one submission).

Allele frequency attached by ClinVar (database versions not stated): TOPMed 0.00001; gnomAD 0.00003 and 0.00004; ExAC 0.00005.
gnomAD v4.1: 44 of 1,614,072 alleles (0.0027%); highest among the groups gnomAD compares: South Asian, 0.0055%; no homozygotes.

Submission:

Labcorp Genetics (formerly Invitae), Labcorp
Classification: Uncertain significance. Last evaluated: 2026-01-05. Review status: criteria provided, single submitter. Criteria: Invitae Variant Classification Sherloc (09022015). Collection method: clinical testing. Allele origin: germline.
Comment: This sequence change replaces valine, which is neutral and non-polar, with methionine, which is neutral and non-polar, at codon 769 of the AHR protein (p.Val769Met). This variant is present in population databases (rs200221005, gnomAD 0.02%). This variant has not been reported in the literature in individuals affected with AHR-related conditions. ClinVar contains an entry for this variant (Variation ID: 961320). An algorithm developed to predict the effect of missense changes on protein structure and function outputs the following: PolyPhen-2: "Benign". The methionine amino acid residue is found in multiple mammalian species, which suggests that this missense change does not adversely affect protein function. In summary, the available evidence is currently insufficient to determine the role of this variant in disease. Therefore, it has been classified as a Variant of Uncertain Significance.

NM_001621.5(AHR):c.2305G>A (p.Val769Met)

Gene: AHR (aryl hydrocarbon receptor; plus strand). Cytogenetic location: 7p21.1.
Variant type: single nucleotide variant.
Coding change: c.2305G>A on transcript NM_001621.5 (MANE Select); coding-DNA position 2305, G replaced by A.
Protein change: p.Val769Met; replaces valine 769 with methionine.
Molecular consequence: missense variant.
Genome position (GRCh38, 1-based): chr7:17,340,130, G>A. VCF-style: chr7-17340130-G-A. GRCh37 (hg19) VCF-style: chr7-17379754-G-A.
Other names: short protein forms V769M.
Identifiers: ClinVar variation 961320 (VCV000961320.7), dbSNP rs200221005, ClinGen allele CA4172260.